The following is an entry in ClinVar:

ClinVar aggregate classification (germline): Uncertain significance. Review status: criteria provided, multiple submitters, no conflicts (2 of 4 stars). 2 submissions from 2 submitters: Uncertain significance (2). Last evaluated 2024-07-09.

Conditions:
Methylmalonic acidemia with homocystinuria, type cblX (MAHCX). Also called: INTELLECTUAL DEVELOPMENTAL DISORDER, X-LINKED 3. Identifiers: Orphanet 369962, MedGen C0796208, MONDO:0010657, OMIM 309541.
Inborn genetic diseases. Identifiers: MedGen C0950123, MeSH D030342.

Allele frequency attached by ClinVar (database versions not stated): gnomAD exomes 0.00001 and 0.00002; TOPMed 0.00001.
gnomAD v4.1: 16 of 1,208,553 alleles (0.0013%); highest among the groups gnomAD compares: South Asian, 0.0053%; no homozygotes.

Submissions (2):

Ambry Genetics
Classification: Uncertain significance for Inborn genetic diseases. Last evaluated: 2024-07-09. Review status: criteria provided, single submitter. Criteria: Ambry Variant Classification Scheme 2023. Collection method: clinical testing. Allele origin: germline.

Labcorp Genetics (formerly Invitae), Labcorp
Classification: Uncertain significance for Methylmalonic acidemia with homocystinuria, type cblX. Last evaluated: 2021-08-24. Review status: criteria provided, single submitter. Criteria: Invitae Variant Classification Sherloc (09022015). Collection method: clinical testing. Allele origin: germline.
Comment: This sequence change replaces alanine with threonine at codon 1129 of the HCFC1 protein (p.Ala1129Thr). The alanine residue is weakly conserved and there is a small physicochemical difference between alanine and threonine. This variant is present in population databases (rs782235304, ExAC 0.02%). This variant has not been reported in the literature in individuals affected with HCFC1-related conditions. Algorithms developed to predict the effect of missense changes on protein structure and function output the following: SIFT: "Tolerated"; PolyPhen-2: "Benign"; Align-GVGD: "Class C0". The threonine amino acid residue is found in multiple mammalian species, which suggests that this missense change does not adversely affect protein function. In summary, the available evidence is currently insufficient to determine the role of this variant in disease. Therefore, it has been classified as a Variant of Uncertain Significance.

NM_005334.3(HCFC1):c.3385G>A (p.Ala1129Thr)

Gene: HCFC1 (host cell factor C1; minus strand). Cytogenetic location: Xq28.
Variant type: single nucleotide variant.
Coding change: c.3385G>A on transcript NM_005334.3 (MANE Select); coding-DNA position 3385, G replaced by A.
Protein change: p.Ala1129Thr; replaces alanine 1129 with threonine.
Molecular consequence: missense variant.
Genome position (GRCh38, 1-based): chrX:153,955,014, C>T on the plus strand (G>A on the coding strand, the complement: HCFC1 is on the minus strand). VCF-style: chrX-153955014-C-T. GRCh37 (hg19) VCF-style: chrX-153220465-C-T.
Other names: c.3385G>A (NM_005334.2); short protein forms A1129T.
Identifiers: ClinVar variation 1398266 (VCV001398266.6), dbSNP rs782235304, ClinGen allele CA10557197.